The following is an entry in ClinVar:

ClinVar aggregate classification (germline): Uncertain significance (1 of 4 stars; one submission).

Conditions:
Leukoencephalopathy with vanishing white matter 3 (VWM3). Also called: Leukoencephalopathy with vanishing white matter 3, with or without ovarian failure; EIF2B3-Related Childhood Ataxia with Central Nervous System Hypomyelination/Vanishing White Matter. Identifiers: MedGen C5830405, MONDO:0957871, OMIM 620313.

Submission:

Juno Genomics, Hangzhou Juno Genomics, Inc
Classification: Uncertain significance for Leukoencephalopathy with vanishing white matter 3. Review status: criteria provided, single submitter. Criteria: ACMG Guidelines, 2015. Collection method: clinical testing. Allele origin: germline. Affected: yes.
Comment: Absent from controls (or at extremely low frequency if recessive) in Genome Aggregation Database, Exome Sequencing Project, 1000 Genomes Project, or Exome Aggregation Consortium.;For recessive disorders, detected in trans with a pathogenic variant.

NM_020365.5(EIF2B3):c.344A>T (p.His115Leu)

Gene: EIF2B3 (eukaryotic translation initiation factor 2B subunit gamma; minus strand). Cytogenetic location: 1p34.1.
Variant type: single nucleotide variant.
Coding change: c.344A>T on transcript NM_020365.5 (MANE Select); coding-DNA position 344, A replaced by T.
Protein change: p.His115Leu; replaces histidine 115 with leucine.
Molecular consequence: missense variant.
Genome position (GRCh38, 1-based): chr1:44,941,616, T>A on the plus strand (A>T on the coding strand, the complement: EIF2B3 is on the minus strand). VCF-style: chr1-44941616-T-A. GRCh37 (hg19) VCF-style: chr1-45407288-T-A.
Other names: c.344A>T, p.His115Leu (NM_001166588.3, NM_001261418.2); short protein forms H115L.
Identifiers: ClinVar variation 4072428 (VCV004072428.2).